The following is an entry in ClinVar:

NM_019032.6(ADAMTSL4):c.1677T>C (p.Arg559=)

Genes: ADAMTSL4 (ADAMTS like 4; plus strand), ADAMTSL4-AS2 (ADAMTSL4 antisense RNA 2; minus strand). Cytogenetic location: 1q21.2.
Variant type: single nucleotide variant.
Coding change: c.1677T>C on transcript NM_019032.6 (MANE Select); coding-DNA position 1677, T replaced by C.
Protein change: p.Arg559=; no amino-acid change (arginine 559 retained).
Molecular consequence: synonymous variant.
Genome position (GRCh38, 1-based): chr1:150,556,721, T>C. VCF-style: chr1-150556721-T-C. GRCh37 (hg19) VCF-style: chr1-150529197-T-C.
Other names: c.1746T>C, p.Arg582= (NM_001288607.2, NM_001288608.2); c.1677T>C, p.Arg559= (NM_001378596.1, NM_025008.5); c.1677T>C (NM_019032.5).
Identifiers: ClinVar variation 1898503 (VCV001898503.7), dbSNP rs188285649, ClinGen allele CA1078362.

ClinVar aggregate classification (germline): Likely benign. Review status: criteria provided, single submitter (1 of 4 stars). 2 submissions from 2 submitters: Likely benign (1). 1 of the submissions does not count toward it. Last evaluated 2025-04-03.

Conditions:
ADAMTSL4-related disorder. Also called: ADAMTSL4-Related Disorders; ADAMTSL4-related condition.

Allele frequency attached by ClinVar (database versions not stated): gnomAD 0.00003; TOPMed 0.00003; gnomAD exomes 0.00004; ExAC 0.00006; 1000 Genomes Project 30x 0.00031; 1000 Genomes Project 0.00040.
gnomAD v4.1: 66 of 1,613,572 alleles (0.0041%); highest among the groups gnomAD compares: Middle Eastern, 0.049%; no homozygotes.

Submissions (2):

Labcorp Genetics (formerly Invitae), Labcorp
Classification: Likely benign. Last evaluated: 2025-04-03. Review status: criteria provided, single submitter. Criteria: Invitae Variant Classification Sherloc (09022015). Collection method: clinical testing. Allele origin: germline.

PreventionGenetics, part of Exact Sciences
Classification: Likely benign for ADAMTSL4-related condition. Last evaluated: 2019-02-21. Review status: no assertion criteria provided. Collection method: clinical testing. Allele origin: germline. Not counted in ClinVar's aggregate classification.
Comment: This variant is classified as likely benign based on ACMG/AMP sequence variant interpretation guidelines (Richards et al. 2015 PMID: 25741868, with internal and published modifications).